The following is an entry in ClinVar:

NM_001244008.2(KIF1A):c.136A>C (p.Thr46Pro)

Gene: KIF1A (kinesin family member 1A; minus strand). Cytogenetic location: 2q37.3.
Variant type: single nucleotide variant.
Coding change: c.136A>C on transcript NM_001244008.2 (MANE Select); coding-DNA position 136, A replaced by C.
Protein change: p.Thr46Pro; replaces threonine 46 with proline.
Molecular consequence: missense variant.
Genome position (GRCh38, 1-based): chr2:240,789,283, T>G on the plus strand (A>C on the coding strand, the complement: KIF1A is on the minus strand). VCF-style: chr2-240789283-T-G. GRCh37 (hg19) VCF-style: chr2-241728700-T-G.
Other names: c.136A>C, p.Thr46Pro (NM_001320705.2, NM_001330289.2, NM_001330290.2 and 20 more transcripts); short protein forms T46P.
Identifiers: ClinVar variation 1380740 (VCV001380740.6), dbSNP rs2126098737, ClinGen allele CA351311778.

ClinVar aggregate classification (germline): Uncertain significance (1 of 4 stars; one submission).

Conditions:
Hereditary spastic paraplegia 30. Identifiers: Orphanet 101010, MedGen C5235139, MONDO:0012476.
Neuropathy, hereditary sensory, type 2C. Also called: Hereditary sensory and autonomic neuropathy type IIC; KIF1A-Related HSAN2 (HSAN2C). Identifiers: Orphanet 970, MedGen C3280168, MONDO:0013634, OMIM 614213.
Intellectual disability, autosomal dominant 9 (NESCAVS). Also called: NESCAV SYNDROME; KIF1A-Related Neurodevelopmental Disorder. Identifiers: Orphanet 662367, MedGen C5393830, MONDO:0013656, OMIM 614255.

Allele frequency attached by ClinVar (database versions not stated): gnomAD exomes below 0.00001.
gnomAD v4.1: 1 of 1,613,818 alleles (0.000062%); highest among the groups gnomAD compares: Non-Finnish European, 0.000085%; no homozygotes.

Submission:

Labcorp Genetics (formerly Invitae), Labcorp
Classification: Uncertain significance for Hereditary spastic paraplegia 30; Neuropathy, hereditary sensory, type 2C; Intellectual disability, autosomal dominant 9. Last evaluated: 2022-10-13. Review status: criteria provided, single submitter. Criteria: Invitae Variant Classification Sherloc (09022015). Collection method: clinical testing. Allele origin: germline.
Comment: In summary, the available evidence is currently insufficient to determine the role of this variant in disease. Therefore, it has been classified as a Variant of Uncertain Significance. Advanced modeling of protein sequence and biophysical properties (such as structural, functional, and spatial information, amino acid conservation, physicochemical variation, residue mobility, and thermodynamic stability) performed at Invitae indicates that this missense variant is expected to disrupt KIF1A protein function. ClinVar contains an entry for this variant (Variation ID: 1380740). This variant has not been reported in the literature in individuals affected with KIF1A-related conditions. This variant is not present in population databases (gnomAD no frequency). This sequence change replaces threonine, which is neutral and polar, with proline, which is neutral and non-polar, at codon 46 of the KIF1A protein (p.Thr46Pro).